The following is an entry in ClinVar:

ClinVar aggregate classification (germline): Likely benign. Review status: criteria provided, multiple submitters, no conflicts (2 of 4 stars). 2 submissions from 2 submitters: Likely benign (2). Last evaluated 2018-09-19.

Allele frequency attached by ClinVar (database versions not stated): ExAC 0.00002; TOPMed 0.00002; gnomAD 0.00003 and 0.00004; gnomAD exomes 0.00003 and 0.00004.
gnomAD v4.1: 54 of 1,611,270 alleles (0.0034%); highest among the groups gnomAD compares: Non-Finnish European, 0.0046%; no homozygotes.

Submissions (2):

Labcorp Genetics (formerly Invitae), Labcorp
Classification: Likely benign. Last evaluated: 2018-09-19. Review status: criteria provided, single submitter. Criteria: Invitae Variant Classification Sherloc (09022015). Collection method: clinical testing. Allele origin: germline.

GeneDx
Classification: Likely benign. Last evaluated: 2017-07-28. Review status: criteria provided, single submitter. Criteria: GeneDx Variant Classification (06012015). Collection method: clinical testing. Allele origin: germline. Affected: yes.
Comment: This variant is considered likely benign or benign based on one or more of the following criteria: it is a conservative change, it occurs at a poorly conserved position in the protein, it is predicted to be benign by multiple in silico algorithms, and/or has population frequency not consistent with disease.

NM_178862.3(STT3B):c.927T>G (p.Pro309=)

Gene: STT3B (STT3 oligosaccharyltransferase complex catalytic subunit B; plus strand). Cytogenetic location: 3p23.
Variant type: single nucleotide variant.
Coding change: c.927T>G on transcript NM_178862.3 (MANE Select); coding-DNA position 927, T replaced by G.
Protein change: p.Pro309=; no amino-acid change (proline 309 retained).
Molecular consequence: synonymous variant.
Genome position (GRCh38, 1-based): chr3:31,615,154, T>G. VCF-style: chr3-31615154-T-G. GRCh37 (hg19) VCF-style: chr3-31656646-T-G.
Identifiers: ClinVar variation 382064 (VCV000382064.4), dbSNP rs756733689, ClinGen allele CA2295067.
Genomic context (GRCh38, chr3:31,615,154, plus strand): 5'-TGTCTTTATAGCATATAGCACTTTCTACATTGTGGGTTTAATATTATCAATGCAGATACC[T>G]TTTGTGGGATTCCAGCCAATCAGAACAAGTGAACACATGGCAGCTGCAGGTATGAAAAAT-3'
Protein context (NP_849193.1, residues 299-319): IVGLILSMQI[Pro309=]FVGFQPIRTS